The following is an entry in ClinVar:

ClinVar aggregate classification (germline): Pathogenic (1 of 4 stars; one submission).

Submission:

Labcorp Genetics (formerly Invitae), Labcorp
Classification: Pathogenic. Last evaluated: 2022-12-20. Review status: criteria provided, single submitter. Criteria: Invitae Variant Classification Sherloc (09022015). Collection method: clinical testing. Allele origin: germline.
Comment: For these reasons, this variant has been classified as Pathogenic. This variant has not been reported in the literature in individuals affected with ALPK3-related conditions. This variant is not present in population databases (gnomAD no frequency). This sequence change creates a premature translational stop signal (p.Arg1399Glyfs*75) in the ALPK3 gene. It is expected to result in an absent or disrupted protein product. Loss-of-function variants in ALPK3 are known to be pathogenic (PMID: 21441111, 26846950, 27106955, 34263907).

Literature cited by the submitters: PubMed 21441111; PubMed 26846950; PubMed 27106955; PubMed 34263907.

NM_020778.5(ALPK3):c.3588del (p.Arg1197fs)

Gene: ALPK3 (alpha kinase 3; plus strand). Cytogenetic location: 15q25.3.
Variant type: Deletion.
Coding change: c.3588del on transcript NM_020778.5 (MANE Select); coding-DNA position 3588, one base deleted (C; older notation c.3588delC).
Protein change: p.Arg1197fs; shifts the reading frame from arginine 1197.
Molecular consequence: frameshift variant.
Genome position (GRCh38, 1-based): chr15:84,858,326, C deleted; the last of 3 consecutive C bases (chr15:84,858,324-84,858,326); deleting any one gives the same sequence. VCF-style (leftmost placement, unchanged base first): chr15-84858323-GC-G. GRCh37 (hg19) VCF-style: chr15-85401554-GC-G.
Other names: short protein forms R1197fs.
Identifiers: ClinVar variation 2822354 (VCV002822354.3), dbSNP rs2505722343, ClinGen allele CA2739269626.